The following is an entry in ClinVar:

NM_198075.4(LRRC56):c.691G>A (p.Glu231Lys)

Gene: LRRC56 (leucine rich repeat containing 56; plus strand). Cytogenetic location: 11p15.5.
Variant type: single nucleotide variant.
Coding change: c.691G>A on transcript NM_198075.4 (MANE Select); coding-DNA position 691, G replaced by A.
Protein change: p.Glu231Lys; replaces glutamic acid 231 with lysine.
Molecular consequence: missense variant.
Genome position (GRCh38, 1-based): chr11:551,197, G>A. VCF-style: chr11-551197-G-A. GRCh37 (hg19) VCF-style: chr11-551197-G-A.
Other names: c.691G>A (NM_198075.3); short protein forms E231K.
Identifiers: ClinVar variation 1485914 (VCV001485914.6), dbSNP rs373134692, ClinGen allele CA5779794.
Genomic context (GRCh38, chr11:551,197, plus strand): 5'-AGGGGCTACAACTACAGGGCAGAGGTGAGGAAGCTCATTCCCCAGCTGCAGGTCCTGGAC[G>A]AAGTGCCGGCCGCACACACAGGCCCACCGGCCCCCCCGCGGCTGAGCCAGGACTGGCTTG-3'
Protein context (NP_932341.1, residues 221-241): KLIPQLQVLD[Glu231Lys]VPAAHTGPPA

ClinVar aggregate classification (germline): Uncertain significance. Review status: criteria provided, multiple submitters, no conflicts (2 of 4 stars). 2 submissions from 2 submitters: Uncertain significance (2). Last evaluated 2024-11-05.

Allele frequency attached by ClinVar (database versions not stated): gnomAD 0.00008; TOPMed 0.00008; ExAC 0.00011.

Submissions (2):

Labcorp Genetics (formerly Invitae), Labcorp
Classification: Uncertain significance. Last evaluated: 2024-11-05. Review status: criteria provided, single submitter. Criteria: Invitae Variant Classification Sherloc (09022015). Collection method: clinical testing. Allele origin: germline.
Comment: This sequence change replaces glutamic acid, which is acidic and polar, with lysine, which is basic and polar, at codon 231 of the LRRC56 protein (p.Glu231Lys). This variant is present in population databases (rs373134692, gnomAD 0.09%). This variant has not been reported in the literature in individuals affected with LRRC56-related conditions. ClinVar contains an entry for this variant (Variation ID: 1485914). Invitae Evidence Modeling of protein sequence and biophysical properties (such as structural, functional, and spatial information, amino acid conservation, physicochemical variation, residue mobility, and thermodynamic stability) indicates that this missense variant is expected to disrupt LRRC56 protein function with a positive predictive value of 80%. In summary, the available evidence is currently insufficient to determine the role of this variant in disease. Therefore, it has been classified as a Variant of Uncertain Significance.

Ambry Genetics
Classification: Uncertain significance. Last evaluated: 2023-02-01. Review status: criteria provided, single submitter. Criteria: Ambry Variant Classification Scheme 2023. Collection method: clinical testing. Allele origin: germline.